The following is an entry in ClinVar:

NM_001035.3(RYR2):c.6555+149_6555+150del

Gene: RYR2 (ryanodine receptor 2; plus strand). Cytogenetic location: 1q43.
Variant type: Deletion.
Coding change: c.6555+149_6555+150del on transcript NM_001035.3 (MANE Select); bases 149 to 150 of the intron after coding-DNA position 6555, 2 bases deleted (CG; older notation c.6555+149_6555+150delCG).
Molecular consequence: intron variant.
Genome position (GRCh38, 1-based): chr1:237,631,690-237,631,691, CG deleted. VCF-style (leftmost placement, unchanged base first): chr1-237631689-ACG-A. GRCh37 (hg19) VCF-style: chr1-237794989-ACG-A.
Identifiers: ClinVar variation 672094 (VCV000672094.1), dbSNP rs774599218, ClinGen allele CA39842249.

ClinVar aggregate classification (germline): Benign (1 of 4 stars; one submission).

Allele frequency attached by ClinVar (database versions not stated): gnomAD 0.37370 and 0.38098.

Submission:

GeneDx
Classification: Benign. Last evaluated: 2018-06-15. Review status: criteria provided, single submitter. Criteria: GeneDx Variant Classification (06012015). Collection method: clinical testing. Allele origin: germline. Affected: yes.
Comment: This variant is considered likely benign or benign based on one or more of the following criteria: it is a conservative change, it occurs at a poorly conserved position in the protein, it is predicted to be benign by multiple in silico algorithms, and/or has population frequency not consistent with disease.